The following is an entry in ClinVar:

NM_001164665.2(KIAA1549):c.298G>A (p.Gly100Ser)

Gene: KIAA1549 (KIAA1549; minus strand). Cytogenetic location: 7q34.
Variant type: single nucleotide variant.
Coding change: c.298G>A on transcript NM_001164665.2 (MANE Select); coding-DNA position 298, G replaced by A.
Protein change: p.Gly100Ser; replaces glycine 100 with serine.
Molecular consequence: missense variant.
Genome position (GRCh38, 1-based): chr7:138,919,328, C>T on the plus strand (G>A on the coding strand, the complement: KIAA1549 is on the minus strand). VCF-style: chr7-138919328-C-T. GRCh37 (hg19) VCF-style: chr7-138604074-C-T.
Other names: c.298G>A, p.Gly100Ser (NM_020910.3); short protein forms G100S.
Identifiers: ClinVar variation 1948002 (VCV001948002.3), dbSNP rs562166819, ClinGen allele CA4506978.
Genomic context (GRCh38, chr7:138,919,328, plus strand): 5'-TATCAAAAGTAGTGGCAGACGGCGGGGCTGTGACATGGAGAGGACTGCTGTGCTGGGAGC[C>T]GGGAGCAGTTTCTGTTAAGGCCACTTGTGCAGCGCTGTGCCCAGTGCTTTTCTTCAGCAC-3'
Protein context (NP_001158137.1, residues 90-110): AQVALTETAP[Gly100Ser]SQHSSPLHVT

ClinVar aggregate classification (germline): Uncertain significance (1 of 4 stars; one submission).

Allele frequency attached by ClinVar (database versions not stated): ExAC 0.00001; gnomAD 0.00001; gnomAD exomes 0.00002; TOPMed 0.00002; 1000 Genomes Project 0.00020; 1000 Genomes Project 30x 0.00031.
gnomAD v4.1: 33 of 1,613,960 alleles (0.002%); highest among the groups gnomAD compares: Middle Eastern, 0.016%; no homozygotes.

Submission:

Labcorp Genetics (formerly Invitae), Labcorp
Classification: Uncertain significance. Last evaluated: 2023-11-27. Review status: criteria provided, single submitter. Criteria: Invitae Variant Classification Sherloc (09022015). Collection method: clinical testing. Allele origin: germline.
Comment: This sequence change replaces glycine, which is neutral and non-polar, with serine, which is neutral and polar, at codon 100 of the KIAA1549 protein (p.Gly100Ser). This variant is present in population databases (rs562166819, gnomAD 0.007%). This variant has not been reported in the literature in individuals affected with KIAA1549-related conditions. ClinVar contains an entry for this variant (Variation ID: 1948002). An algorithm developed to predict the effect of missense changes on protein structure and function (PolyPhen-2) suggests that this variant¬†is likely to be tolerated. In summary, the available evidence is currently insufficient to determine the role of this variant in disease. Therefore, it has been classified as a Variant of Uncertain Significance.